The following is an entry in ClinVar:

NM_016180.5(SLC45A2):c.1214A>G (p.Tyr405Cys)

Gene: SLC45A2 (solute carrier family 45 member 2; minus strand). Cytogenetic location: 5p13.2.
Variant type: single nucleotide variant.
Coding change: c.1214A>G on transcript NM_016180.5 (MANE Select); coding-DNA position 1214, A replaced by G.
Protein change: p.Tyr405Cys; replaces tyrosine 405 with cysteine.
Molecular consequence: missense variant.
Genome position (GRCh38, 1-based): chr5:33,947,317, T>C on the plus strand (A>G on the coding strand, the complement: SLC45A2 is on the minus strand). VCF-style: chr5-33947317-T-C. GRCh37 (hg19) VCF-style: chr5-33947422-T-C.
Other names: c.1214A>G, p.Tyr405Cys (NM_001012509.4); short protein forms Y405C.
Identifiers: ClinVar variation 3340593 (VCV003340593.2).

ClinVar aggregate classification (germline): Uncertain significance. Review status: criteria provided, multiple submitters, no conflicts (2 of 4 stars). 2 submissions from 2 submitters: Uncertain significance (2). Last evaluated 2024-12-18.

Submissions (2):

Women's Health and Genetics/Laboratory Corporation of America, LabCorp
Classification: Uncertain significance. Last evaluated: 2024-12-18. Review status: criteria provided, single submitter. Criteria: LabCorp Variant Classification Summary - May 2015. Collection method: clinical testing. Allele origin: germline.
Comment: Variant summary: SLC45A2 c.1214A>G (p.Tyr405Cys) results in a non-conservative amino acid change in the encoded protein sequence. Five of five in-silico tools predict a damaging effect of the variant on protein function. The variant allele was found at a frequency of 4e-06 in 251472 control chromosomes (gnomAD). The available data on variant occurrences in the general population are insufficient to allow any conclusion about variant significance. c.1214A>G has been reported in the literature in an individuals affected with Oculocutaneous albinism type 4 (Lasseaux_2018). These data do not allow any conclusion about variant significance. To our knowledge, no experimental evidence demonstrating an impact on protein function has been reported. The following publication has been ascertained in the context of this evaluation (PMID: 29345414). ClinVar contains an entry for this variant (Variation ID: 3340593). Based on the evidence outlined above, the variant was classified as uncertain significance.

GeneDx
Classification: Uncertain significance. Last evaluated: 2023-11-14. Review status: criteria provided, single submitter. Criteria: GeneDx Variant Classification Process June 2021. Collection method: clinical testing. Allele origin: germline. Affected: yes.
Comment: In silico analysis supports that this missense variant has a deleterious effect on protein structure/function; Not observed at significant frequency in large population cohorts (gnomAD); This variant is associated with the following publications: (PMID: 29345414)

Literature cited by the submitters: PubMed 29345414 (cited by Women's Health and Genetics/Laboratory Corporation of America, LabCorp).